The following is an entry in ClinVar:

NM_030761.5(WNT4):c.1015C>T (p.Arg339Trp)

Gene: WNT4 (Wnt family member 4; minus strand). Cytogenetic location: 1p36.12.
Variant type: single nucleotide variant.
Coding change: c.1015C>T on transcript NM_030761.5 (MANE Select); coding-DNA position 1015, C replaced by T.
Protein change: p.Arg339Trp; replaces arginine 339 with tryptophan.
Molecular consequence: missense variant.
Genome position (GRCh38, 1-based): chr1:22,120,091, G>A on the plus strand (C>T on the coding strand, the complement: WNT4 is on the minus strand). VCF-style: chr1-22120091-G-A. GRCh37 (hg19) VCF-style: chr1-22446584-G-A.
Other names: short protein forms R339W.
Identifiers: ClinVar variation 3627683 (VCV003627683.2).

ClinVar aggregate classification (germline): Uncertain significance (1 of 4 stars; one submission).

gnomAD v4.1: 7 of 1,612,192 alleles (0.00043%); highest among the groups gnomAD compares: South Asian, 0.0044%; no homozygotes.

Submission:

Labcorp Genetics (formerly Invitae), Labcorp
Classification: Uncertain significance. Last evaluated: 2025-01-21. Review status: criteria provided, single submitter. Criteria: Invitae Variant Classification Sherloc (09022015). Collection method: clinical testing. Allele origin: germline.
Comment: This sequence change replaces arginine, which is basic and polar, with tryptophan, which is neutral and slightly polar, at codon 339 of the WNT4 protein (p.Arg339Trp). This variant is present in population databases (rs772408932, gnomAD 0.0008%). This missense change has been observed in individual(s) with Mayer-Rokitansky-Küster-Hauser syndrome (PMID: 33469725). Invitae Evidence Modeling of protein sequence and biophysical properties (such as structural, functional, and spatial information, amino acid conservation, physicochemical variation, residue mobility, and thermodynamic stability) indicates that this missense variant is expected to disrupt WNT4 protein function with a positive predictive value of 80%. In summary, the available evidence is currently insufficient to determine the role of this variant in disease. Therefore, it has been classified as a Variant of Uncertain Significance.

Literature cited by the submitters: PubMed 33469725.